The following is an entry in ClinVar:

NM_001040108.2(MLH3):c.680G>A (p.Ser227Asn)

Gene: MLH3 (mutL homolog 3; minus strand). Cytogenetic location: 14q24.3.
Variant type: single nucleotide variant.
Coding change: c.680G>A on transcript NM_001040108.2 (MANE Select); coding-DNA position 680, G replaced by A.
Protein change: p.Ser227Asn; replaces serine 227 with asparagine.
Molecular consequence: missense variant.
Genome position (GRCh38, 1-based): chr14:75,048,976, C>T on the plus strand (G>A on the coding strand, the complement: MLH3 is on the minus strand). VCF-style: chr14-75048976-C-T. GRCh37 (hg19) VCF-style: chr14-75515679-C-T.
Other names: c.680G>A, p.Ser227Asn (NM_014381.3); short protein forms S227N.
Identifiers: ClinVar variation 2789857 (VCV002789857.3), dbSNP rs547792935, ClinGen allele CA263653574.

ClinVar aggregate classification (germline): Uncertain significance (1 of 4 stars; one submission).

Conditions:
Colorectal cancer, hereditary nonpolyposis, type 7. Identifiers: Orphanet 144, MedGen C1858380, MONDO:0013725, OMIM 614385.

Allele frequency attached by ClinVar (database versions not stated): gnomAD 0.00001; gnomAD exomes 0.00001; TOPMed 0.00001; 1000 Genomes Project 30x 0.00016; 1000 Genomes Project 0.00020.
gnomAD v4.1: 6 of 1,613,680 alleles (0.00037%); highest among the groups gnomAD compares: Admixed American, 0.0067%; no homozygotes.

Submission:

Labcorp Genetics (formerly Invitae), Labcorp
Classification: Uncertain significance for Colorectal cancer, hereditary nonpolyposis, type 7. Last evaluated: 2024-03-28. Review status: criteria provided, single submitter. Criteria: Invitae Variant Classification Sherloc (09022015). Collection method: clinical testing. Allele origin: germline.
Comment: This sequence change replaces serine, which is neutral and polar, with asparagine, which is neutral and polar, at codon 227 of the MLH3 protein (p.Ser227Asn). This variant is present in population databases (rs547792935, gnomAD 0.003%). This variant has not been reported in the literature in individuals affected with MLH3-related conditions. Algorithms developed to predict the effect of missense changes on protein structure and function output the following: SIFT: "Not Available"; PolyPhen-2: "Benign"; Align-GVGD: "Not Available". The asparagine amino acid residue is found in multiple mammalian species, which suggests that this missense change does not adversely affect protein function. In summary, the available evidence is currently insufficient to determine the role of this variant in disease. Therefore, it has been classified as a Variant of Uncertain Significance.